The following is an entry in ClinVar:

NM_012188.5(FOXI1):c.248C>T (p.Pro83Leu)

Gene: FOXI1 (forkhead box I1; plus strand). Cytogenetic location: 5q35.1.
Variant type: single nucleotide variant.
Coding change: c.248C>T on transcript NM_012188.5 (MANE Select); coding-DNA position 248, C replaced by T.
Protein change: p.Pro83Leu; replaces proline 83 with leucine.
Molecular consequence: missense variant.
Genome position (GRCh38, 1-based): chr5:170,106,205, C>T. VCF-style: chr5-170106205-C-T. GRCh37 (hg19) VCF-style: chr5-169533209-C-T.
Other names: c.248C>T, p.Pro83Leu (NM_144769.4); short protein forms P83L.
Identifiers: ClinVar variation 2181136 (VCV002181136.4), dbSNP rs748217286, ClinGen allele CA3554995.

ClinVar aggregate classification (germline): Uncertain significance (1 of 4 stars; one submission).

Allele frequency attached by ClinVar (database versions not stated): gnomAD exomes below 0.00001; TOPMed below 0.00001; ExAC 0.00002.

Submission:

Labcorp Genetics (formerly Invitae), Labcorp
Classification: Uncertain significance. Last evaluated: 2024-10-15. Review status: criteria provided, single submitter. Criteria: Invitae Variant Classification Sherloc (09022015). Collection method: clinical testing. Allele origin: germline.
Comment: This sequence change replaces proline, which is neutral and non-polar, with leucine, which is neutral and non-polar, at codon 83 of the FOXI1 protein (p.Pro83Leu). This variant is present in population databases (rs748217286, gnomAD 0.001%). This variant has not been reported in the literature in individuals affected with FOXI1-related conditions. ClinVar contains an entry for this variant (Variation ID: 2181136). Invitae Evidence Modeling of protein sequence and biophysical properties (such as structural, functional, and spatial information, amino acid conservation, physicochemical variation, residue mobility, and thermodynamic stability) has been performed for this missense variant. However, the output from this modeling did not meet the statistical confidence thresholds required to predict the impact of this variant on FOXI1 protein function. In summary, the available evidence is currently insufficient to determine the role of this variant in disease. Therefore, it has been classified as a Variant of Uncertain Significance.